The following is an entry in ClinVar:

ClinVar aggregate classification (germline): Conflicting classifications of pathogenicity. Review status: criteria provided, conflicting classifications (1 of 4 stars). 10 submissions from 10 submitters: Uncertain significance (1); Benign (2); Likely benign (6). 1 of the submissions does not count toward it. Last evaluated 2026-01-21.

Conditions:
PLEC-related disorder. Also called: PLEC-related disorders; PLEC-related condition.
Inborn genetic diseases. Identifiers: MedGen C0950123, MeSH D030342.
Epidermolysis bullosa simplex, Ogna type (EBS5A). Also called: Pidermolysis bullosa simplex 5A, Ogna type; EPIDERMOLYSIS BULLOSA SIMPLEX 5A, OGNA TYPE. Identifiers: Orphanet 79401, MedGen C0432317, MONDO:0007555, OMIM 131950.
Epidermolysis bullosa simplex 5C, with pyloric atresia (EBS5C). Also called: PLEC-Related Epidermolysis Bullosa with Pyloric Atresia; Epidermolysis bullosa simplex with pyloric atresia; PLEC1-Related Epidermolysis Bullosa with Pyloric Atresia. Identifiers: Orphanet 158684, MedGen C2677349, MONDO:0012807, OMIM 612138.
Autosomal recessive limb-girdle muscular dystrophy type 2Q (LGMDR17). Also called: MUSCULAR DYSTROPHY, LIMB-GIRDLE, AUTOSOMAL RECESSIVE 17. Identifiers: Orphanet 254361, MedGen C3150989, MONDO:0013390, OMIM 613723.
Epidermolysis bullosa simplex with nail dystrophy (EBS5D). Identifiers: MedGen C4225309, MONDO:0014661, OMIM 616487.
Epidermolysis bullosa simplex 5B, with muscular dystrophy (EBS5B). Also called: EPIDERMOLYSIS BULLOSA SIMPLEX AND LIMB-GIRDLE MUSCULAR DYSTROPHY; Epidermolysis bullosa simplex with muscular dystrophy. Identifiers: Orphanet 257, MedGen C2931072, MONDO:0009181, OMIM 226670.
Arrhythmogenic right ventricular dysplasia 1. Identifiers: Orphanet 3403, MedGen C1862511, MONDO:0007152, OMIM 107970.

Allele frequency attached by ClinVar (database versions not stated): 1000 Genomes Project 0.00040; 1000 Genomes Project 30x 0.00047; TOPMed 0.00068; gnomAD 0.00078 and 0.00084; gnomAD exomes 0.00105 and 0.00135; ExAC 0.00219.
gnomAD v4.1: 1,584 of 1,548,614 alleles (0.1%); highest among the groups gnomAD compares: Non-Finnish European, 0.1%; 3 homozygotes.

Submissions (10):

Labcorp Genetics (formerly Invitae), Labcorp
Classification: Benign for Autosomal recessive limb-girdle muscular dystrophy type 2Q; Epidermolysis bullosa simplex, Ogna type; Epidermolysis bullosa simplex with nail dystrophy; Epidermolysis bullosa simplex 5C, with pyloric atresia; Epidermolysis bullosa simplex 5B, with muscular dystrophy. Last evaluated: 2026-01-21. Review status: criteria provided, single submitter. Criteria: Invitae Variant Classification Sherloc (09022015). Collection method: clinical testing. Allele origin: germline.

CeGaT Center for Human Genetics Tuebingen
Classification: Likely benign. Last evaluated: 2025-06-01. Review status: criteria provided, single submitter. Criteria: CeGaT Center For Human Genetics Tuebingen Variant Classification Criteria Version 2. Collection method: clinical testing. Allele origin: germline. Affected: yes. Observed: 2 variant alleles.
Comment: PLEC: BS2

Blueprint Genetics
Classification: Likely benign. Last evaluated: 2024-10-23. Review status: criteria provided, single submitter. Criteria: ACMG Guidelines, 2015. Collection method: clinical testing. Allele origin: germline.

Athena Diagnostics
Classification: Benign. Last evaluated: 2024-08-29. Review status: criteria provided, single submitter. Criteria: Athena Diagnostics Criteria. Collection method: clinical testing. Allele origin: unknown.

Ambry Genetics
Classification: Uncertain significance for Inborn genetic diseases. Last evaluated: 2021-10-18. Review status: criteria provided, single submitter. Criteria: Ambry Variant Classification Scheme 2023. Collection method: clinical testing. Allele origin: germline.

GeneDx
Classification: Likely benign. Last evaluated: 2020-11-20. Review status: criteria provided, single submitter. Criteria: GeneDx Variant Classification Process June 2021. Collection method: clinical testing. Allele origin: germline. Affected: yes.

Eurofins Ntd Llc (ga)
Classification: Likely benign. Last evaluated: 2017-08-11. Review status: criteria provided, single submitter. Criteria: EGL Classification Definitions 2015. Collection method: clinical testing. Allele origin: germline. Observed: 15 variant alleles, 12 heterozygotes.

Baylor-Hopkins Center for Mendelian Genomics, Johns Hopkins University School of Medicine
Classification: Likely benign for Arrhythmogenic right ventricular dysplasia, familial 1. Review status: criteria provided, single submitter. Criteria: ACMG Guidelines, 2015. Collection method: research. Allele origin: unknown. Affected: yes. Observed: 1 variant allele, 1 heterozygote.

Breakthrough Genomics
Classification: Likely benign. Review status: criteria provided, single submitter. Criteria: ACMG Guidelines, 2015. Collection method: not provided. Allele origin: germline. Inheritance: Autosomal recessive inheritance. Affected: yes.

PreventionGenetics, part of Exact Sciences
Classification: Benign for PLEC-related condition. Last evaluated: 2024-01-18. Review status: no assertion criteria provided. Collection method: clinical testing. Allele origin: germline. Not counted in ClinVar's aggregate classification.
Comment: This variant is classified as benign based on ACMG/AMP sequence variant interpretation guidelines (Richards et al. 2015 PMID: 25741868, with internal and published modifications).

NM_201384.3(PLEC):c.5471C>T (p.Ala1824Val)

Gene: PLEC (plectin; minus strand). Cytogenetic location: 8q24.3.
Variant type: single nucleotide variant.
Coding change: c.5471C>T on transcript NM_201384.3 (MANE Select); coding-DNA position 5471, C replaced by T.
Protein change: p.Ala1824Val; replaces alanine 1824 with valine.
Molecular consequence: missense variant.
Genome position (GRCh38, 1-based): chr8:143,924,458, G>A on the plus strand (C>T on the coding strand, the complement: PLEC is on the minus strand). VCF-style: chr8-143924458-G-A. GRCh37 (hg19) VCF-style: chr8-144998626-G-A.
Other names: c.5552C>T, p.Ala1851Val (NM_000445.5); c.5429C>T, p.Ala1810Val (NM_201378.4); c.5405C>T, p.Ala1802Val (NM_201379.3); c.5882C>T, p.Ala1961Val (NM_201380.4); c.5375C>T, p.Ala1792Val (NM_201381.3); c.5471C>T, p.Ala1824Val (NM_201382.4); c.5483C>T, p.Ala1828Val (NM_201383.3); short protein forms A1792V, A1802V, A1810V, A1824V, A1828V, A1851V, A1961V.
Identifiers: ClinVar variation 196764 (VCV000196764.86), dbSNP rs542642242, ClinGen allele CA244092.